The following is an entry in ClinVar:

ClinVar aggregate classification (germline): Uncertain significance (1 of 4 stars; one submission).

Conditions:
LRRC45-related disorder. Also called: LRRC45-related condition.

gnomAD v4.1: 5 of 1,612,496 alleles (0.00031%); highest among the groups gnomAD compares: Admixed American, 0.005%; no homozygotes.

Submission:

PreventionGenetics, part of Exact Sciences
Classification: Uncertain significance for LRRC45-related condition. Last evaluated: 2025-03-19. Review status: criteria provided, single submitter. Criteria: ACMG Guidelines, 2015. Collection method: clinical testing. Allele origin: germline.
Comment: The LRRC45 c.1316A>G variant is predicted to result in the amino acid substitution p.His439Arg. To our knowledge, this variant has not been reported in the literature or in a large population database (gnomAD), indicating this variant is rare. At this time, the clinical significance of this variant is uncertain due to the absence of conclusive functional and genetic evidence.

NM_144999.4(LRRC45):c.1316A>G (p.His439Arg)

Gene: LRRC45 (leucine rich repeat containing 45; plus strand). Cytogenetic location: 17q25.3.
Variant type: single nucleotide variant.
Coding change: c.1316A>G on transcript NM_144999.4 (MANE Select); coding-DNA position 1316, A replaced by G.
Protein change: p.His439Arg; replaces histidine 439 with arginine.
Molecular consequence: missense variant.
Genome position (GRCh38, 1-based): chr17:82,029,100, A>G. VCF-style: chr17-82029100-A-G. GRCh37 (hg19) VCF-style: chr17-79986976-A-G.
Other names: short protein forms H439R.
Identifiers: ClinVar variation 4982069 (VCV004982069.1).